The following is an entry in ClinVar:

ClinVar aggregate classification (germline): Likely benign. Review status: criteria provided, multiple submitters, no conflicts (2 of 4 stars). 2 submissions from 2 submitters: Likely benign (2). Last evaluated 2026-07-01.

Conditions:
Inborn genetic diseases. Identifiers: MedGen C0950123, MeSH D030342.

Allele frequency attached by ClinVar (database versions not stated): gnomAD exomes 0.00009 and 0.00018; ESP Exome Variant Server 0.00015; ExAC 0.00016; gnomAD 0.00031 and 0.00034; TOPMed 0.00037; 1000 Genomes Project 0.00060; 1000 Genomes Project 30x 0.00094.

Submissions (2):

CeGaT Center for Human Genetics Tuebingen
Classification: Likely benign. Last evaluated: 2026-07-01. Review status: criteria provided, single submitter. Criteria: CeGaT Center For Human Genetics Tuebingen Variant Classification Criteria Version 2. Collection method: clinical testing. Allele origin: germline. Affected: yes. Observed: 3 variant alleles.
Comment: KMT5B: BP4

Ambry Genetics
Classification: Likely benign for Inborn genetic diseases. Last evaluated: 2022-02-14. Review status: criteria provided, single submitter. Criteria: Ambry Variant Classification Scheme 2023. Collection method: clinical testing. Allele origin: germline.

NM_017635.5(KMT5B):c.1562C>T (p.Pro521Leu)

Gene: KMT5B (lysine methyltransferase 5B; minus strand). Cytogenetic location: 11q13.2.
Variant type: single nucleotide variant.
Coding change: c.1562C>T on transcript NM_017635.5 (MANE Select); coding-DNA position 1562, C replaced by T.
Protein change: p.Pro521Leu; replaces proline 521 with leucine.
Molecular consequence: missense variant.
Genome position (GRCh38, 1-based): chr11:68,158,784, G>A on the plus strand (C>T on the coding strand, the complement: KMT5B is on the minus strand). VCF-style: chr11-68158784-G-A. GRCh37 (hg19) VCF-style: chr11-67926251-G-A.
Other names: c.1562C>T (NM_017635.3); c.1046C>T, p.Pro349Leu (NM_001300907.1, NM_001369428.1, NM_001369429.1 and 4 more transcripts); c.842C>T, p.Pro281Leu (NM_001300908.2); c.1562C>T, p.Pro521Leu (NM_001369426.1); short protein forms P281L, P349L, P521L.
Identifiers: ClinVar variation 1675465 (VCV001675465.36), dbSNP rs140037372, ClinGen allele CA6148164.
Genomic context (GRCh38, chr11:68,158,784, plus strand): 5'-GACCGCCGAGTTATGTAGGTGCAGGGCGAGCTCTCCCCCTGCGAATGAGCACCTCTCACA[G>A]GATTCTGTCTGTGTTCTCTCGCCGCGTGTCTAGTCAAGCACCCGCTGGCAACTGCGGCTT-3'
Protein context (NP_060105.3, residues 511-531): RHAAREHRQN[Pro521Leu]VRGAHSQGES